The following is an entry in ClinVar:

ClinVar aggregate classification (germline): Uncertain significance (1 of 4 stars; one submission).

Conditions:
Autosomal dominant epilepsy with auditory features. Identifiers: Orphanet 101046, MedGen C1838062, MONDO:0010898.

Submission:

Labcorp Genetics (formerly Invitae), Labcorp
Classification: Uncertain significance for Autosomal dominant epilepsy with auditory features. Last evaluated: 2024-05-30. Review status: criteria provided, single submitter. Criteria: Invitae Variant Classification Sherloc (09022015). Collection method: clinical testing. Allele origin: germline.
Comment: This sequence change replaces alanine, which is neutral and non-polar, with glycine, which is neutral and non-polar, at codon 20 of the LGI1 protein (p.Ala20Gly). This variant is not present in population databases (gnomAD no frequency). This variant has not been reported in the literature in individuals affected with LGI1-related conditions. An algorithm developed to predict the effect of missense changes on protein structure and function (PolyPhen-2) suggests that this variant is likely to be tolerated. In summary, the available evidence is currently insufficient to determine the role of this variant in disease. Therefore, it has been classified as a Variant of Uncertain Significance.

NM_005097.4(LGI1):c.59C>G (p.Ala20Gly)

Gene: LGI1 (leucine rich glioma inactivated 1; plus strand). Cytogenetic location: 10q23.33.
Variant type: single nucleotide variant.
Coding change: c.59C>G on transcript NM_005097.4 (MANE Select); coding-DNA position 59, C replaced by G.
Protein change: p.Ala20Gly; replaces alanine 20 with glycine.
Molecular consequence: missense variant. On other transcripts: non-coding transcript variant (1).
Genome position (GRCh38, 1-based): chr10:93,758,203, C>G. VCF-style: chr10-93758203-C-G. GRCh37 (hg19) VCF-style: chr10-95517960-C-G.
Other names: c.59C>G, p.Ala20Gly (NM_001308275.2, NM_001308276.2); short protein forms A20G.
Identifiers: ClinVar variation 3645286 (VCV003645286.2).